The following is an entry in ClinVar:

NM_000463.3(UGT1A1):c.748T>C (p.Ser250Pro)

Genes: UGT1A7 (UDP glucuronosyltransferase family 1 member A7; plus strand), UGT1A4 (UDP glucuronosyltransferase family 1 member A4; plus strand), UGT1A3 (UDP glucuronosyltransferase family 1 member A3; plus strand), UGT1A8 (UDP glucuronosyltransferase family 1 member A8; plus strand), UGT1A5 (UDP glucuronosyltransferase family 1 member A5; plus strand) and 5 more. Cytogenetic location: 2q37.1.
Variant type: single nucleotide variant.
Coding change: c.748T>C on transcript NM_000463.3 (MANE Select); coding-DNA position 748, T replaced by C.
Protein change: p.Ser250Pro; replaces serine 250 with proline.
Molecular consequence: missense variant. On other transcripts: intron variant (9).
Genome position (GRCh38, 1-based): chr2:233,761,035, T>C. VCF-style: chr2-233761035-T-C. GRCh37 (hg19) VCF-style: chr2-234669681-T-C.
Other names: p.Ser250Pro; c.856-5999T>C (NM_019076.5, NM_019075.4, NM_021027.3 and 1 more transcripts); c.61-5999T>C (NM_205862.3); c.862-5999T>C (NM_001072.4); c.868-5999T>C (NM_019078.2, NM_007120.3, NM_019093.4); short protein forms S250P.
Identifiers: ClinVar variation 160240 (VCV000160240.25), dbSNP rs57307513, ClinGen allele CA173885.
Genomic context (GRCh38, chr2:233,761,035, plus strand): 5'-TATGCAACCCTTGCCTCAGAATTCCTTCAGAGAGAGGTGACTGTCCAGGACCTATTGAGC[T>C]CTGCATCTGTCTGGCTGTTTAGAAGTGACTTTGTGAAGGATTACCCTAGGCCCATCATGC-3'
Protein context (NP_000454.1, residues 240-260): REVTVQDLLS[Ser250Pro]ASVWLFRSDF

ClinVar aggregate classification (germline): Uncertain significance. Review status: criteria provided, multiple submitters, no conflicts (2 of 4 stars). 10 submissions from 8 submitters: Uncertain significance (9). 1 of the submissions does not count toward it. Last evaluated 2024-04-30.

Conditions:
Crigler-Najjar syndrome. Identifiers: Orphanet 205, MedGen C5551003, MONDO:0009044.
UGT1A1-related disorder. Also called: UGT1A1-related condition; UGT1A1-related disorders.
Lucey-Driscoll syndrome (HBLRTFN). Also called: Transient familial neonatal hyperbilirubinemia. Identifiers: Orphanet 2312, MedGen C0270210, MONDO:0009383, OMIM 237900.
Hyperbilirubinemia. Identifiers: MedGen C0311468, MONDO:0024288, HP:0002904.
Gilbert syndrome. Also called: Gilbert Disease; HYPERBILIRUBINEMIA, GILBERT TYPE; HYPERBILIRUBINEMIA I; HYPERBILIRUBINEMIA, ARIAS TYPE; Gilbert's syndrome. Identifiers: MedGen C0017551, MONDO:0007745, OMIM 143500.

Allele frequency attached by ClinVar (database versions not stated): ExAC 0.00027; gnomAD exomes 0.00027 and 0.00045; gnomAD 0.00039 and 0.00041; 1000 Genomes Project 0.00040; TOPMed 0.00042; ESP Exome Variant Server 0.00046; 1000 Genomes Project 30x 0.00047.
gnomAD v4.1: 717 of 1,614,210 alleles (0.044%); highest among the groups gnomAD compares: Non-Finnish European, 0.055%; no homozygotes.

Submissions (10):

Revvity Omics, Revvity
Classification: Uncertain significance. Last evaluated: 2024-04-30. Review status: criteria provided, single submitter. Criteria: ACMG Guidelines, 2015. Collection method: clinical testing. Allele origin: germline.

ARUP Laboratories, Molecular Genetics and Genomics, ARUP Laboratories
Classification: Uncertain significance. Last evaluated: 2023-07-26. Review status: criteria provided, single submitter. Criteria: ARUP Molecular Germline Variant Investigation Process 2024. Collection method: clinical testing. Allele origin: germline.
Comment: The UGT1A1 c.748T>C; p.Ser250Pro variant (rs57307513), to our knowledge, is not reported in the medical literature but is reported in ClinVar (Variation ID: 160240). This variant is found in the general population with an overall allele frequency of 0.03% (74/281714 alleles) in the Genome Aggregation Database. The serine at codon 250 is weakly conserved, and computational analyses predict that this variant is neutral (REVEL: 0.045). However, given the lack of clinical and functional data, the significance of the p.Ser250Pro variant is uncertain at this time.

Labcorp Genetics (formerly Invitae), Labcorp
Classification: Uncertain significance. Last evaluated: 2021-12-19. Review status: criteria provided, single submitter. Criteria: Invitae Variant Classification Sherloc (09022015). Collection method: clinical testing. Allele origin: germline.
Comment: This sequence change replaces serine, which is neutral and polar, with proline, which is neutral and non-polar, at codon 250 of the UGT1A1 protein (p.Ser250Pro). This variant is present in population databases (rs57307513, gnomAD 0.04%). This variant has not been reported in the literature in individuals affected with UGT1A1-related conditions. ClinVar contains an entry for this variant (Variation ID: 160240). Algorithms developed to predict the effect of missense changes on protein structure and function are either unavailable or do not agree on the potential impact of this missense change (SIFT: "Not Available"; PolyPhen-2: "Benign"; Align-GVGD: "Not Available"). In summary, the available evidence is currently insufficient to determine the role of this variant in disease. Therefore, it has been classified as a Variant of Uncertain Significance.

Mayo Clinic Laboratories, Mayo Clinic
Classification: Uncertain significance. Last evaluated: 2021-07-21. Review status: criteria provided, single submitter. Criteria: ACMG Guidelines, 2015. Collection method: clinical testing. Allele origin: germline.

Eurofins Ntd Llc (ga)
Classification: Uncertain significance. Last evaluated: 2018-07-27. Review status: criteria provided, single submitter. Criteria: EGL ClinVar v180209 classification definitions. Collection method: clinical testing. Allele origin: germline. Observed: 2 variant alleles, 2 heterozygotes.

Illumina Laboratory Services, Illumina
Classification: Uncertain significance for Crigler-Najjar syndrome. Last evaluated: 2017-04-27. Review status: criteria provided, single submitter. Criteria: ICSL Variant Classification Criteria 13 December 2019. Collection method: clinical testing. Allele origin: germline.

Illumina Laboratory Services, Illumina
Classification: Uncertain significance for Gilbert syndrome. Last evaluated: 2017-04-27. Review status: criteria provided, single submitter. Criteria: ICSL Variant Classification Criteria 13 December 2019. Collection method: clinical testing. Allele origin: germline.

Illumina Laboratory Services, Illumina
Classification: Uncertain significance for Lucey-Driscoll syndrome. Last evaluated: 2017-04-27. Review status: criteria provided, single submitter. Criteria: ICSL Variant Classification Criteria 13 December 2019. Collection method: clinical testing. Allele origin: germline.

Genetic Services Laboratory, University of Chicago
Classification: Uncertain significance for Hyperbilirubinemia. Last evaluated: 2013-03-04. Review status: criteria provided, single submitter. Criteria: ACMG Guidelines, 2007. Collection method: clinical testing. Allele origin: germline. Inheritance: Autosomal recessive inheritance.

PreventionGenetics, part of Exact Sciences
Classification: Uncertain significance for UGT1A1-related condition. Last evaluated: 2024-07-03. Review status: no assertion criteria provided. Collection method: clinical testing. Allele origin: germline. Not counted in ClinVar's aggregate classification.
Comment: The UGT1A1 c.748T>C variant is predicted to result in the amino acid substitution p.Ser250Pro. This variant has been reported in a genome wide association study of individuals with varying levels of total serum bilirubin (Oussalah et al. 2015. PubMed ID: 26039129). This variant is reported in 0.038% of alleles in individuals of European (Non-Finnish) descent in gnomAD. At this time, the clinical significance of this variant is uncertain due to the absence of conclusive functional and genetic evidence.